The following is an entry in ClinVar:

NM_014956.5(CEP164):c.314C>T (p.Thr105Ile)

Gene: CEP164 (centrosomal protein 164; plus strand). Cytogenetic location: 11q23.3.
Variant type: single nucleotide variant.
Coding change: c.314C>T on transcript NM_014956.5 (MANE Select); coding-DNA position 314, C replaced by T.
Protein change: p.Thr105Ile; replaces threonine 105 with isoleucine.
Molecular consequence: missense variant.
Genome position (GRCh38, 1-based): chr11:117,351,909, C>T. VCF-style: chr11-117351909-C-T. GRCh37 (hg19) VCF-style: chr11-117222625-C-T.
Other names: c.314C>T, p.Thr105Ile (NM_001271933.2); short protein forms T105I.
Identifiers: ClinVar variation 2135922 (VCV002135922.4), dbSNP rs2540656406, ClinGen allele CA382726008.

ClinVar aggregate classification (germline): Uncertain significance (1 of 4 stars; one submission).

Conditions:
Nephronophthisis 15 (NPHP15). Identifiers: Orphanet 3156, MedGen C3541853, MONDO:0013917, OMIM 614845.

Submission:

Labcorp Genetics (formerly Invitae), Labcorp
Classification: Uncertain significance for Nephronophthisis 15. Last evaluated: 2022-05-09. Review status: criteria provided, single submitter. Criteria: Invitae Variant Classification Sherloc (09022015). Collection method: clinical testing. Allele origin: germline.
Comment: In summary, the available evidence is currently insufficient to determine the role of this variant in disease. Therefore, it has been classified as a Variant of Uncertain Significance. Algorithms developed to predict the effect of missense changes on protein structure and function (SIFT, PolyPhen-2, Align-GVGD) all suggest that this variant is likely to be tolerated. This variant has not been reported in the literature in individuals affected with CEP164-related conditions. This variant is not present in population databases (gnomAD no frequency). This sequence change replaces threonine, which is neutral and polar, with isoleucine, which is neutral and non-polar, at codon 105 of the CEP164 protein (p.Thr105Ile).